The following is an entry in ClinVar:

ClinVar aggregate classification (germline): Pathogenic. Review status: criteria provided, multiple submitters, no conflicts (2 of 4 stars). 2 submissions from 2 submitters: Pathogenic (2). Last evaluated 2024-11-09.

Conditions:
Familial adenomatous polyposis 1 (FAP1). Also called: POLYPOSIS, ADENOMATOUS INTESTINAL; FAMILIAL ADENOMATOUS POLYPOSIS 1, ATTENUATED. Identifiers: MedGen C2713442, MONDO:0021056, OMIM 175100. Disease mechanism: loss of function.

Submissions (2):

Labcorp Genetics (formerly Invitae), Labcorp
Classification: Pathogenic for Familial adenomatous polyposis 1. Last evaluated: 2024-11-09. Review status: criteria provided, single submitter. Criteria: Invitae Variant Classification Sherloc (09022015). Collection method: clinical testing. Allele origin: germline.
Comment: This sequence change creates a premature translational stop signal (p.Leu585Serfs*5) in the APC gene. It is expected to result in an absent or disrupted protein product. Loss-of-function variants in APC are known to be pathogenic (PMID: 17963004, 20685668). This variant is not present in population databases (gnomAD no frequency). This premature translational stop signal has been observed in individual(s) with familial adenomatous polyposis (PMID: 7746201, 11896079). ClinVar contains an entry for this variant (Variation ID: 652107). For these reasons, this variant has been classified as Pathogenic.

Myriad Genetics, Inc.
Classification: Pathogenic for Familial adenomatous polyposis 1. Last evaluated: 2023-05-03. Review status: criteria provided, single submitter. Criteria: Myriad Autosomal Dominant, Autosomal Recessive and X-Linked Classification Criteria (2023). Collection method: clinical testing. Allele origin: unknown.
Comment: This variant is considered pathogenic. This variant creates a frameshift predicted to result in premature protein truncation.

Literature cited by the submitters: PubMed 17963004 (cited by Labcorp Genetics (formerly Invitae), Labcorp); PubMed 20685668 (cited by Labcorp Genetics (formerly Invitae), Labcorp); PubMed 7746201 (cited by Labcorp Genetics (formerly Invitae), Labcorp); PubMed 11896079 (cited by Labcorp Genetics (formerly Invitae), Labcorp).

NM_000038.6(APC):c.1753del (p.Leu585fs)

Gene: APC (APC regulator of Wnt signaling pathway; plus strand). Cytogenetic location: 5q22.2.
Variant type: Deletion.
Coding change: c.1753del on transcript NM_000038.6 (MANE Select); coding-DNA position 1753, one base deleted (C; older notation c.1753delC).
Protein change: p.Leu585fs; shifts the reading frame from leucine 585.
Molecular consequence: frameshift variant.
Genome position (GRCh38, 1-based): chr5:112,834,960, C deleted; the last of 3 consecutive C bases (chr5:112,834,958-112,834,960); deleting any one gives the same sequence. VCF-style (leftmost placement, unchanged base first): chr5-112834957-AC-A. GRCh37 (hg19) VCF-style: chr5-112170654-AC-A.
Other names: c.1753del, p.Leu585fs (NM_001127510.3, NM_001354895.2); c.1699del, p.Leu567fs (NM_001127511.3); c.1807del, p.Leu603fs (NM_001354896.2); c.1783del, p.Leu595fs (NM_001354897.2); c.1678del, p.Leu560fs (NM_001354898.2); c.1669del, p.Leu557fs (NM_001354899.2); c.1630del, p.Leu544fs (NM_001354900.2); c.1576del, p.Leu526fs (NM_001354901.2); and 5 more; short protein forms L302fs, L425fs, L567fs, L585fs, L595fs, L494fs, L526fs, L544fs.
Identifiers: ClinVar variation 652107 (VCV000652107.11), dbSNP rs1580603163, ClinGen allele CA915942606.